The following is an entry in ClinVar:

NM_000565.4(IL6R):c.100G>A (p.Val34Met)

Gene: IL6R (interleukin 6 receptor; plus strand). Cytogenetic location: 1q21.3.
Variant type: single nucleotide variant.
Coding change: c.100G>A on transcript NM_000565.4 (MANE Select); coding-DNA position 100, G replaced by A.
Protein change: p.Val34Met; replaces valine 34 with methionine.
Molecular consequence: missense variant.
Genome position (GRCh38, 1-based): chr1:154,429,210, G>A. VCF-style: chr1-154429210-G-A. GRCh37 (hg19) VCF-style: chr1-154401686-G-A.
Other names: c.100G>A, p.Val34Met (NM_001206866.2, NM_001382769.1, NM_001382770.1 and 5 more transcripts); short protein forms V34M.
Identifiers: ClinVar variation 1896556 (VCV001896556.3), dbSNP rs762153528, ClinGen allele CA1128917.

ClinVar aggregate classification (germline): Uncertain significance (1 of 4 stars; one submission).

Allele frequency attached by ClinVar (database versions not stated): ExAC 0.00002; gnomAD 0.00005; TOPMed 0.00007.

Submission:

Labcorp Genetics (formerly Invitae), Labcorp
Classification: Uncertain significance. Last evaluated: 2024-10-21. Review status: criteria provided, single submitter. Criteria: Invitae Variant Classification Sherloc (09022015). Collection method: clinical testing. Allele origin: germline.
Comment: This sequence change replaces valine, which is neutral and non-polar, with methionine, which is neutral and non-polar, at codon 34 of the IL6R protein (p.Val34Met). This variant is present in population databases (rs762153528, gnomAD 0.01%). This variant has not been reported in the literature in individuals affected with IL6R-related conditions. ClinVar contains an entry for this variant (Variation ID: 1896556). An algorithm developed to predict the effect of missense changes on protein structure and function outputs the following: PolyPhen-2: "Benign". The methionine amino acid residue is found in multiple mammalian species, which suggests that this missense change does not adversely affect protein function. In summary, the available evidence is currently insufficient to determine the role of this variant in disease. Therefore, it has been classified as a Variant of Uncertain Significance.